The following is an entry in ClinVar:

NM_006767.4(LZTR1):c.1794C>A (p.Cys598Ter)

Gene: LZTR1 (leucine zipper like post translational regulator 1; plus strand). Cytogenetic location: 22q11.21.
Variant type: single nucleotide variant.
Coding change: c.1794C>A on transcript NM_006767.4 (MANE Select); coding-DNA position 1794, C replaced by A.
Protein change: p.Cys598Ter; replaces cysteine 598 with a stop codon.
Molecular consequence: nonsense.
Genome position (GRCh38, 1-based): chr22:20,994,878, C>A. VCF-style: chr22-20994878-C-A. GRCh37 (hg19) VCF-style: chr22-21349167-C-A.
Other names: short protein forms C598*.
Identifiers: ClinVar variation 933820 (VCV000933820.13), dbSNP rs982944299, ClinGen allele CA322270032.

ClinVar aggregate classification (germline): Pathogenic/Likely pathogenic. Review status: criteria provided, multiple submitters, no conflicts (2 of 4 stars). 5 submissions from 5 submitters: Pathogenic (2); Likely pathogenic (3). Last evaluated 2025-12-29.

Conditions:
LZTR1-related schwannomatosis. Also called: Schwannomatosis 2; Schwannomatosis-2, susceptibility to. Identifiers: Orphanet 93921, MedGen C3810283, MONDO:0014299, OMIM 615670.
Hereditary cancer-predisposing syndrome. Also called: Hereditary neoplastic syndrome; Neoplastic Syndromes, Hereditary; Hereditary Cancer Syndrome; Tumor predisposition. Identifiers: Orphanet 140162, MedGen C0027672, MeSH D009386, MONDO:0015356.
Cardiovascular phenotype. Identifiers: MedGen CN230736.

Allele frequency attached by ClinVar (database versions not stated): gnomAD 0.00002; TOPMed 0.00001.
gnomAD v4.1: 12 of 1,613,122 alleles (0.00074%); highest among the groups gnomAD compares: East Asian, 0.0022%; no homozygotes.

Submissions (5):

Labcorp Genetics (formerly Invitae), Labcorp
Classification: Pathogenic. Last evaluated: 2025-12-29. Review status: criteria provided, single submitter. Criteria: Invitae Variant Classification Sherloc (09022015). Collection method: clinical testing. Allele origin: germline.
Comment: This sequence change creates a premature translational stop signal (p.Cys598*) in the LZTR1 gene. It is expected to result in an absent or disrupted protein product. Loss-of-function variants in LZTR1 are known to be pathogenic (PMID: 24362817, 25335493, 25480913, 25795793, 29469822, 30368668, 30442762, 30442766, 30481304, 30859559). This variant is not present in population databases (gnomAD no frequency). This variant has not been reported in the literature in individuals affected with LZTR1-related conditions. ClinVar contains an entry for this variant (Variation ID: 933820). For these reasons, this variant has been classified as Pathogenic.

GeneDx
Classification: Likely pathogenic. Last evaluated: 2024-06-27. Review status: criteria provided, single submitter. Criteria: GeneDx Variant Classification Process June 2021. Collection method: clinical testing. Allele origin: germline.
Comment: Nonsense variant predicted to result in protein truncation [or nonsense mediated decay] in a gene for which loss of function is a known mechanism of disease; Not observed at significant frequency in large population cohorts (gnomAD); Has not been previously published as pathogenic or benign to our knowledge

Baylor Genetics
Classification: Likely pathogenic for LZTR1-related schwannomatosis. Last evaluated: 2023-10-16. Review status: criteria provided, single submitter. Criteria: ACMG Guidelines, 2015. Collection method: clinical testing. Allele origin: unknown.

Revvity Omics, Revvity
Classification: Likely pathogenic. Last evaluated: 2023-08-30. Review status: criteria provided, single submitter. Criteria: ACMG Guidelines, 2015. Collection method: clinical testing. Allele origin: germline.

Ambry Genetics
Classification: Pathogenic for Cardiovascular phenotype; Hereditary cancer-predisposing syndrome. Last evaluated: 2023-08-10. Review status: criteria provided, single submitter. Criteria: Ambry Variant Classification Scheme 2023. Collection method: clinical testing. Allele origin: germline.
Comment: The p.C598* pathogenic mutation (also known as c.1794C>A), located in coding exon 16 of the LZTR1 gene, results from a C to A substitution at nucleotide position 1794. This changes the amino acid from a cysteine to a stop codon within coding exon 16. This alteration is expected to result in loss of function by premature protein truncation or nonsense-mediated mRNA decay. Loss-of-function variants in LZTR1 are related to an increased risk for schwannomas and autosomal recessive Noonan syndrome; however, such associations with autosomal dominant Noonan syndrome have not been observed (Piotrowski A et al. Nat Genet. 2014 Feb;46:182-7; Yamamoto GL et al. J Med Genet. 2015 Jun;52:413-21; Johnston JJ et al. Genet Med. 2018 10;20:1175-1185). This variant is considered to be rare based on population cohorts in the Genome Aggregation Database (gnomAD). Based on the supporting evidence, this variant is pathogenic for an increased risk of nerve sheath tumors and would be expected to cause autosomal recessive Noonan syndrome when present along with a second pathogenic or likely pathogenic variant on the other allele; however, the association of this alteration with autosomal dominant Noonan syndrome is unlikely.

Literature cited by the submitters: PubMed 24362817 (cited by Labcorp Genetics (formerly Invitae), Labcorp); PubMed 25335493 (cited by Labcorp Genetics (formerly Invitae), Labcorp); PubMed 25480913 (cited by Labcorp Genetics (formerly Invitae), Labcorp); PubMed 25795793 (cited by Labcorp Genetics (formerly Invitae), Labcorp); PubMed 29469822 (cited by Labcorp Genetics (formerly Invitae), Labcorp); PubMed 30368668 (cited by Labcorp Genetics (formerly Invitae), Labcorp); PubMed 30442762 (cited by Labcorp Genetics (formerly Invitae), Labcorp); PubMed 30442766 (cited by Labcorp Genetics (formerly Invitae), Labcorp); PubMed 30481304 (cited by Labcorp Genetics (formerly Invitae), Labcorp); PubMed 30859559 (cited by Labcorp Genetics (formerly Invitae), Labcorp).